The following is an entry in ClinVar:

NM_000075.4(CDK4):c.740G>A (p.Gly247Glu)

Genes: CDK4 (cyclin dependent kinase 4; minus strand), TSPAN31 (tetraspanin 31; plus strand). Cytogenetic location: 12q14.1.
Variant type: single nucleotide variant.
Coding change: c.740G>A on transcript NM_000075.4 (MANE Select); coding-DNA position 740, G replaced by A.
Protein change: p.Gly247Glu; replaces glycine 247 with glutamic acid.
Molecular consequence: missense variant. On other transcripts: 3 prime UTR variant (3).
Genome position (GRCh38, 1-based): chr12:57,749,261, C>T on the plus strand (G>A on the coding strand, the complement: CDK4 is on the minus strand). VCF-style: chr12-57749261-C-T. GRCh37 (hg19) VCF-style: chr12-58143044-C-T.
Other names: c.*1971C>T (NM_001330168.2, NM_001330169.2, NM_005981.5); short protein forms G247E.
Identifiers: ClinVar variation 827024 (VCV000827024.13), dbSNP rs921450127, ClinGen allele CA237841942.

ClinVar aggregate classification (germline): Uncertain significance. Review status: criteria provided, multiple submitters, no conflicts (2 of 4 stars). 2 submissions from 2 submitters: Uncertain significance (2). Last evaluated 2024-10-26.

Conditions:
Hereditary cancer-predisposing syndrome. Also called: Neoplastic Syndromes, Hereditary; Tumor predisposition; Hereditary neoplastic syndrome; Hereditary Cancer Syndrome. Identifiers: Orphanet 140162, MedGen C0027672, MeSH D009386, MONDO:0015356.
Familial melanoma. Also called: Hereditary melanoma; Hereditary cutaneous melanoma. Identifiers: Orphanet 618, MedGen C1512419, MONDO:0018961.

Allele frequency attached by ClinVar (database versions not stated): gnomAD exomes below 0.00001.
gnomAD v4.1: 2 of 1,614,154 alleles (0.00012%); highest among the groups gnomAD compares: Non-Finnish European, 0.00017%; no homozygotes.

Submissions (2):

Labcorp Genetics (formerly Invitae), Labcorp
Classification: Uncertain significance for Familial melanoma. Last evaluated: 2024-10-26. Review status: criteria provided, single submitter. Criteria: Invitae Variant Classification Sherloc (09022015). Collection method: clinical testing. Allele origin: germline.
Comment: This sequence change replaces glycine, which is neutral and non-polar, with glutamic acid, which is acidic and polar, at codon 247 of the CDK4 protein (p.Gly247Glu). This variant is not present in population databases (gnomAD no frequency). This variant has not been reported in the literature in individuals affected with CDK4-related conditions. ClinVar contains an entry for this variant (Variation ID: 827024). Invitae Evidence Modeling of protein sequence and biophysical properties (such as structural, functional, and spatial information, amino acid conservation, physicochemical variation, residue mobility, and thermodynamic stability) indicates that this missense variant is not expected to disrupt CDK4 protein function with a negative predictive value of 95%. In summary, the available evidence is currently insufficient to determine the role of this variant in disease. Therefore, it has been classified as a Variant of Uncertain Significance.

Ambry Genetics
Classification: Uncertain significance for Hereditary cancer-predisposing syndrome. Last evaluated: 2019-03-21. Review status: criteria provided, single submitter. Criteria: Ambry Variant Classification Scheme 2023. Collection method: clinical testing. Allele origin: germline.
Comment: The p.G247E variant (also known as c.740G>A), located in coding exon 6 of the CDK4 gene, results from a G to A substitution at nucleotide position 740. The glycine at codon 247 is replaced by glutamic acid, an amino acid with similar properties. This amino acid position is not well conserved in available vertebrate species. In addition, this alteration is predicted to be tolerated by in silico analysis. Since supporting evidence is limited at this time, the clinical significance of this alteration remains unclear.